The following is an entry in ClinVar:

ClinVar aggregate classification (germline): Uncertain significance (1 of 4 stars; one submission).

Conditions:
Catecholaminergic polymorphic ventricular tachycardia 1. Also called: VENTRICULAR TACHYCARDIA, CATECHOLAMINERGIC POLYMORPHIC, 1, WITH OR WITHOUT ATRIAL DYSFUNCTION AND/OR DILATED CARDIOMYOPATHY; RYR2-Related Catecholaminergic Polymorphic Ventricular Tachycardia; VENTRICULAR TACHYCARDIA, STRESS-INDUCED POLYMORPHIC 1. Identifiers: Orphanet 3286, MedGen C1631597, MONDO:0011484, OMIM 604772.

Submission:

Labcorp Genetics (formerly Invitae), Labcorp
Classification: Uncertain significance for Catecholaminergic polymorphic ventricular tachycardia 1. Last evaluated: 2025-01-23. Review status: criteria provided, single submitter. Criteria: Invitae Variant Classification Sherloc (09022015). Collection method: clinical testing. Allele origin: germline.
Comment: This sequence change replaces lysine, which is basic and polar, with isoleucine, which is neutral and non-polar, at codon 4449 of the RYR2 protein (p.Lys4449Ile). This variant is not present in population databases (gnomAD no frequency). This variant has not been reported in the literature in individuals affected with RYR2-related conditions. Invitae Evidence Modeling of protein sequence and biophysical properties (such as structural, functional, and spatial information, amino acid conservation, physicochemical variation, residue mobility, and thermodynamic stability) has been performed for this missense variant. However, the output from this modeling did not meet the statistical confidence thresholds required to predict the impact of this variant on RYR2 protein function. In summary, the available evidence is currently insufficient to determine the role of this variant in disease. Therefore, it has been classified as a Variant of Uncertain Significance.

NM_001035.3(RYR2):c.13346A>T (p.Lys4449Ile)

Gene: RYR2 (ryanodine receptor 2; plus strand). Cytogenetic location: 1q43.
Variant type: single nucleotide variant.
Coding change: c.13346A>T on transcript NM_001035.3 (MANE Select); coding-DNA position 13346, A replaced by T.
Protein change: p.Lys4449Ile; replaces lysine 4449 with isoleucine.
Molecular consequence: missense variant.
Genome position (GRCh38, 1-based): chr1:237,788,005, A>T. VCF-style: chr1-237788005-A-T. GRCh37 (hg19) VCF-style: chr1-237951305-A-T.
Other names: short protein forms K4449I.
Identifiers: ClinVar variation 3633842 (VCV003633842.2).